The following is an entry in ClinVar:

NM_015488.5(PNKD):c.281G>A (p.Arg94Gln)

Genes: CATIP-AS2 (CATIP antisense RNA 2; minus strand), PNKD (PNKD metallo-beta-lactamase domain containing; plus strand). Cytogenetic location: 2q35.
Variant type: single nucleotide variant.
Coding change: c.281G>A on transcript NM_015488.5 (MANE Select); coding-DNA position 281, G replaced by A.
Protein change: p.Arg94Gln; replaces arginine 94 with glutamine.
Molecular consequence: missense variant.
Genome position (GRCh38, 1-based): chr2:218,339,827, G>A. VCF-style: chr2-218339827-G-A. GRCh37 (hg19) VCF-style: chr2-219204550-G-A.
Other names: c.209G>A, p.Arg70Gln (NM_022572.5); short protein forms R94Q, R70Q.
Identifiers: ClinVar variation 649687 (VCV000649687.10), dbSNP rs140941237, ClinGen allele CA2103880.

ClinVar aggregate classification (germline): Uncertain significance. Review status: criteria provided, multiple submitters, no conflicts (2 of 4 stars). 2 submissions from 2 submitters: Uncertain significance (2). Last evaluated 2025-02-21.

Conditions:
Inborn genetic diseases. Identifiers: MedGen C0950123, MeSH D030342.
Paroxysmal nonkinesigenic dyskinesia. Also called: Paroxysmal non-kinesigenic dyskinesia. Identifiers: Orphanet 98810, MedGen C1869117, MONDO:0700088.
Paroxysmal nonkinesigenic dyskinesia 1 (PNKD1). Also called: DYSTONIA 8; PAROXYSMAL DYSTONIC CHOREOATHETOSIS; Familial Paroxysmal Nonkinesigenic Dyskinesia; Nonkinesigenic choreoathetosis; Familial paroxysmal choreoathetosis; PxMD-PNKD. Identifiers: Orphanet 98810, MedGen C4551506, MONDO:0700089, OMIM 118800, MONDO:0007326.

Allele frequency attached by ClinVar (database versions not stated): ExAC 0.00006; gnomAD exomes 0.00006; gnomAD 0.00015 and 0.00016; TOPMed 0.00021; ESP Exome Variant Server 0.00023.
gnomAD v4.1: 186 of 1,613,576 alleles (0.012%); highest among the groups gnomAD compares: African/African-American, 0.016%; no homozygotes.

Submissions (2):

Ambry Genetics
Classification: Uncertain significance for Inborn genetic diseases. Last evaluated: 2025-02-21. Review status: criteria provided, single submitter. Criteria: Ambry Variant Classification Scheme 2023. Collection method: clinical testing. Allele origin: germline.

Labcorp Genetics (formerly Invitae), Labcorp
Classification: Uncertain significance for Paroxysmal nonkinesigenic dyskinesia. Last evaluated: 2025-01-12. Review status: criteria provided, single submitter. Criteria: Invitae Variant Classification Sherloc (09022015). Collection method: clinical testing. Allele origin: germline.
Comment: This sequence change replaces arginine, which is basic and polar, with glutamine, which is neutral and polar, at codon 94 of the PNKD protein (p.Arg94Gln). This variant is present in population databases (rs140941237, gnomAD 0.01%). This variant has not been reported in the literature in individuals affected with PNKD-related conditions. ClinVar contains an entry for this variant (Variation ID: 649687). An algorithm developed to predict the effect of missense changes on protein structure and function (PolyPhen-2) suggests that this variant¬†is likely to be tolerated. In summary, the available evidence is currently insufficient to determine the role of this variant in disease. Therefore, it has been classified as a Variant of Uncertain Significance.